The following is an entry in ClinVar:

NM_003482.4(KMT2D):c.13546A>G (p.Lys4516Glu)

Gene: KMT2D (lysine methyltransferase 2D; minus strand). Cytogenetic location: 12q13.12.
Variant type: single nucleotide variant.
Coding change: c.13546A>G on transcript NM_003482.4 (MANE Select); coding-DNA position 13546, A replaced by G.
Protein change: p.Lys4516Glu; replaces lysine 4516 with glutamic acid.
Molecular consequence: missense variant.
Genome position (GRCh38, 1-based): chr12:49,031,018, T>C on the plus strand (A>G on the coding strand, the complement: KMT2D is on the minus strand). VCF-style: chr12-49031018-T-C. GRCh37 (hg19) VCF-style: chr12-49424801-T-C.
Other names: short protein forms K4516E.
Identifiers: ClinVar variation 2699324 (VCV002699324.3), dbSNP rs2498348209, ClinGen allele CA384703705.

ClinVar aggregate classification (germline): Uncertain significance (1 of 4 stars; one submission).

Conditions:
Kabuki syndrome. Also called: Kabuki make-up syndrome; NIIKAWA-KUROKI SYNDROME. Identifiers: Orphanet 2322, MedGen C0796004, MONDO:0016512.

Submission:

Labcorp Genetics (formerly Invitae), Labcorp
Classification: Uncertain significance for Kabuki syndrome. Last evaluated: 2023-11-27. Review status: criteria provided, single submitter. Criteria: Invitae Variant Classification Sherloc (09022015). Collection method: clinical testing. Allele origin: germline.
Comment: This sequence change replaces lysine, which is basic and polar, with glutamic acid, which is acidic and polar, at codon 4516 of the KMT2D protein (p.Lys4516Glu). This variant is not present in population databases (gnomAD no frequency). This variant has not been reported in the literature in individuals affected with KMT2D-related conditions. Advanced modeling of protein sequence and biophysical properties (such as structural, functional, and spatial information, amino acid conservation, physicochemical variation, residue mobility, and thermodynamic stability) has been performed at Invitae for this missense variant, however the output from this modeling did not meet the statistical confidence thresholds required to predict the impact of this variant on KMT2D protein function. In summary, the available evidence is currently insufficient to determine the role of this variant in disease. Therefore, it has been classified as a Variant of Uncertain Significance.